The following is an entry in ClinVar:

NM_000348.4(SRD5A2):c.331C>A (p.Leu111Ile)

Gene: SRD5A2 (steroid 5 alpha-reductase 2; minus strand). Cytogenetic location: 2p23.1.
Variant type: single nucleotide variant.
Coding change: c.331C>A on transcript NM_000348.4 (MANE Select); coding-DNA position 331, C replaced by A.
Protein change: p.Leu111Ile; replaces leucine 111 with isoleucine.
Molecular consequence: missense variant.
Genome position (GRCh38, 1-based): chr2:31,533,717, G>T on the plus strand (C>A on the coding strand, the complement: SRD5A2 is on the minus strand). VCF-style: chr2-31533717-G-T. GRCh37 (hg19) VCF-style: chr2-31758787-G-T.
Other names: short protein forms L111I.
Identifiers: ClinVar variation 1364583 (VCV001364583.3), dbSNP rs200206626, ClinGen allele CA1599961.

ClinVar aggregate classification (germline): Uncertain significance (1 of 4 stars; one submission).

Conditions:
3-Oxo-5 alpha-steroid delta 4-dehydrogenase deficiency (PPSH). Also called: FAMILIAL INCOMPLETE MALE PSEUDOHERMAPHRODITISM, TYPE 2; MALE PSEUDOHERMAPHRODITISM DUE TO 5-ALPHA-REDUCTASE DEFICIENCY; PSEUDOVAGINAL PERINEOSCROTAL HYPOSPADIAS; 46,XY disorder of sex development due to 5-alpha-reductase 2 deficiency. Identifiers: Orphanet 753, MedGen C0268297, MONDO:0009923, OMIM 264600. Disease mechanism: loss of function.

Allele frequency attached by ClinVar (database versions not stated): gnomAD 0.00004 and 0.00005; ESP Exome Variant Server 0.00008; ExAC 0.00041.
gnomAD v4.1: 47 of 1,599,070 alleles (0.0029%); highest among the groups gnomAD compares: Non-Finnish European, 0.0034%; no homozygotes.

Submission:

Labcorp Genetics (formerly Invitae), Labcorp
Classification: Uncertain significance for 3-Oxo-5 alpha-steroid delta 4-dehydrogenase deficiency. Last evaluated: 2022-06-27. Review status: criteria provided, single submitter. Criteria: Invitae Variant Classification Sherloc (09022015). Collection method: clinical testing. Allele origin: germline.
Comment: This sequence change replaces leucine with isoleucine at codon 111 of the SRD5A2 protein (p.Leu111Ile). The leucine residue is weakly conserved and there is a small physicochemical difference between leucine and isoleucine. This variant is present in population databases (rs200206626, gnomAD 0.02%). This variant has not been reported in the literature in individuals affected with SRD5A2-related conditions. Experimental studies and prediction algorithms are not available or were not evaluated, and the functional significance of this variant is currently unknown. In summary, the available evidence is currently insufficient to determine the role of this variant in disease. Therefore, it has been classified as a Variant of Uncertain Significance.